The following is an entry in ClinVar:

ClinVar aggregate classification (germline): Uncertain significance (1 of 4 stars; one submission).

Submission:

Labcorp Genetics (formerly Invitae), Labcorp
Classification: Uncertain significance. Last evaluated: 2025-04-04. Review status: criteria provided, single submitter. Criteria: Invitae Variant Classification Sherloc (09022015). Collection method: clinical testing. Allele origin: germline.
Comment: This sequence change replaces isoleucine, which is neutral and non-polar, with valine, which is neutral and non-polar, at codon 310 of the DNAAF4 protein (p.Ile310Val). This variant is present in population databases (no rsID available, gnomAD 0.002%). This variant has not been reported in the literature in individuals affected with DNAAF4-related conditions. Invitae Evidence Modeling of protein sequence and biophysical properties (such as structural, functional, and spatial information, amino acid conservation, physicochemical variation, residue mobility, and thermodynamic stability) indicates that this missense variant is not expected to disrupt DNAAF4 protein function with a negative predictive value of 80%. In summary, the available evidence is currently insufficient to determine the role of this variant in disease. Therefore, it has been classified as a Variant of Uncertain Significance.

NM_130810.4(DNAAF4):c.928A>G (p.Ile310Val)

Genes: DNAAF4 (dynein axonemal assembly factor 4; minus strand), DNAAF4-CCPG1 (DNAAF4-CCPG1 readthrough (NMD candidate); minus strand). Cytogenetic location: 15q21.3.
Variant type: single nucleotide variant.
Coding change: c.928A>G on transcript NM_130810.4 (MANE Select); coding-DNA position 928, A replaced by G.
Protein change: p.Ile310Val; replaces isoleucine 310 with valine.
Molecular consequence: missense variant. On other transcripts: non-coding transcript variant (1).
Genome position (GRCh38, 1-based): chr15:55,435,024, T>C on the plus strand (A>G on the coding strand, the complement: DNAAF4 is on the minus strand). VCF-style: chr15-55435024-T-C. GRCh37 (hg19) VCF-style: chr15-55727222-T-C.
Other names: c.928A>G, p.Ile310Val (NM_001033559.3, NM_001033560.2); short protein forms I310V.
Identifiers: ClinVar variation 4804003 (VCV004804003.1).